The following is an entry in ClinVar:

NM_133259.4(LRPPRC):c.717G>C (p.Val239=)

Gene: LRPPRC (leucine rich pentatricopeptide repeat containing; minus strand). Cytogenetic location: 2p21.
Variant type: single nucleotide variant.
Coding change: c.717G>C on transcript NM_133259.4 (MANE Select); coding-DNA position 717, G replaced by C.
Protein change: p.Val239=; no amino-acid change (valine 239 retained).
Molecular consequence: synonymous variant.
Genome position (GRCh38, 1-based): chr2:43,976,163, C>G on the plus strand (G>C on the coding strand, the complement: LRPPRC is on the minus strand). VCF-style: chr2-43976163-C-G. GRCh37 (hg19) VCF-style: chr2-44203302-C-G.
Identifiers: ClinVar variation 3047745 (VCV003047745.2), dbSNP rs2466672556, ClinGen allele CA425910230.

ClinVar aggregate classification (germline): Likely benign (0 of 4 stars; one submission).

Conditions:
LRPPRC-related disorder. Also called: LRPPRC-related condition.

Submission:

PreventionGenetics, part of Exact Sciences
Classification: Likely benign for LRPPRC-related condition. Last evaluated: 2020-04-20. Review status: no assertion criteria provided. Collection method: clinical testing. Allele origin: germline.
Comment: This variant is classified as likely benign based on ACMG/AMP sequence variant interpretation guidelines (Richards et al. 2015 PMID: 25741868, with internal and published modifications).